The following is an entry in ClinVar:

NM_000143.4(FH):c.289G>C (p.Gly97Arg)

Gene: FH (fumarate hydratase; minus strand). Cytogenetic location: 1q43.
Variant type: single nucleotide variant.
Coding change: c.289G>C on transcript NM_000143.4 (MANE Select); coding-DNA position 289, G replaced by C.
Protein change: p.Gly97Arg; replaces glycine 97 with arginine.
Molecular consequence: missense variant.
Genome position (GRCh38, 1-based): chr1:241,513,692, C>G on the plus strand (G>C on the coding strand, the complement: FH is on the minus strand). VCF-style: chr1-241513692-C-G. GRCh37 (hg19) VCF-style: chr1-241676992-C-G.
Other names: short protein forms G97R.
Identifiers: ClinVar variation 864264 (VCV000864264.10), dbSNP rs1660147877, ClinGen allele CA345440994.

ClinVar aggregate classification (germline): Uncertain significance (1 of 4 stars; one submission).

Submission:

Labcorp Genetics (formerly Invitae), Labcorp
Classification: Uncertain significance. Last evaluated: 2019-01-25. Review status: criteria provided, single submitter. Criteria: Invitae Variant Classification Sherloc (09022015). Collection method: clinical testing. Allele origin: germline.
Comment: In summary, the available evidence is currently insufficient to determine the role of this variant in disease. Therefore, it has been classified as a Variant of Uncertain Significance. Algorithms developed to predict the effect of missense changes on protein structure and function (SIFT, PolyPhen-2, Align-GVGD) all suggest that this variant is likely to be disruptive, but these predictions have not been confirmed by published functional studies and their clinical significance is uncertain. This variant has not been reported in the literature in individuals with FH-related conditions. This variant is not present in population databases (ExAC no frequency). This sequence change replaces glycine with arginine at codon 97 of the FH protein (p.Gly97Arg). The glycine residue is highly conserved and there is a moderate physicochemical difference between glycine and arginine.